The following is an entry in ClinVar:

NM_000193.4(SHH):c.71G>A (p.Cys24Tyr)

Gene: SHH (sonic hedgehog signaling molecule; minus strand). Cytogenetic location: 7q36.3.
Variant type: single nucleotide variant.
Coding change: c.71G>A on transcript NM_000193.4 (MANE Select); coding-DNA position 71, G replaced by A.
Protein change: p.Cys24Tyr; replaces cysteine 24 with tyrosine.
Molecular consequence: missense variant.
Genome position (GRCh38, 1-based): chr7:155,812,052, C>T on the plus strand (G>A on the coding strand, the complement: SHH is on the minus strand). VCF-style: chr7-155812052-C-T. GRCh37 (hg19) VCF-style: chr7-155604746-C-T.
Other names: short protein forms C24Y.
Identifiers: ClinVar variation 1326501 (VCV001326501.2), dbSNP rs2117151372, ClinGen allele CA370152484.

ClinVar aggregate classification (germline): Uncertain significance (1 of 4 stars; one submission).

Allele frequency attached by ClinVar (database versions not stated): gnomAD exomes below 0.00001.
gnomAD v4.1: 1 of 1,614,176 alleles (0.000062%); highest among the groups gnomAD compares: Admixed American, 0.0017%; no homozygotes.

Submission:

GeneDx
Classification: Uncertain significance. Last evaluated: 2021-05-28. Review status: criteria provided, single submitter. Criteria: GeneDx Variant Classification Process June 2021. Collection method: clinical testing. Allele origin: germline. Affected: yes.
Comment: Not observed at significant frequency in large population cohorts (Lek et al., 2016); In silico analysis supports that this missense variant has a deleterious effect on protein structure/function; Has not been previously published as pathogenic or benign to our knowledge; This variant is associated with the following publications: (PMID: 27535533)